The following is an entry in ClinVar:

NM_001972.4(ELANE):c.1A>G (p.Met1Val)

Gene: ELANE (elastase, neutrophil expressed; plus strand). Cytogenetic location: 19p13.3.
Variant type: single nucleotide variant.
Coding change: c.1A>G on transcript NM_001972.4 (MANE Select); coding-DNA position 1, A replaced by G.
Protein change: p.Met1Val; changes the start codon (methionine 1).
Molecular consequence: missense variant, initiator codon variant.
Genome position (GRCh38, 1-based): chr19:852,329, A>G. VCF-style: chr19-852329-A-G. GRCh37 (hg19) VCF-style: chr19-852329-A-G.
Other names: p.Met1?; short protein forms M1V.
Identifiers: ClinVar variation 1343367 (VCV001343367.12), dbSNP rs2145142832, ClinGen allele CA402914142.

ClinVar aggregate classification (germline): Pathogenic. Review status: criteria provided, multiple submitters, no conflicts (2 of 4 stars). 4 submissions from 4 submitters: Pathogenic (3). 1 of the submissions does not count toward it. Last evaluated 2021-12-20.

Conditions:
ELANE-related disorders.
Neutropenia, severe congenital, 1, autosomal dominant. Identifiers: MedGen C1859966, MONDO:0042490, OMIM 202700.
Cyclical neutropenia. Also called: Cyclic Neutropenia; Cyclic hematopoiesis. Identifiers: Orphanet 2686, MedGen C0221023, MONDO:0008090, OMIM 162800, HP:0040289. Disease mechanism: loss of function.

Submissions (4):

Blueprint Genetics
Classification: Pathogenic for ELANE-related disorders. Last evaluated: 2021-12-20. Review status: criteria provided, single submitter. Criteria: ACMG Guidelines, 2015. Collection method: clinical testing. Allele origin: germline. Affected: yes. Observed: 2 variant alleles.

Mayo Clinic Laboratories, Mayo Clinic
Classification: Pathogenic. Last evaluated: 2021-11-17. Review status: criteria provided, single submitter. Criteria: ACMG Guidelines, 2015. Collection method: clinical testing. Allele origin: germline.
Comment: PP1_moderate, PM2_supporting, PM4, PS2, PS4_moderate, PVS1_moderate

Labcorp Genetics (formerly Invitae), Labcorp
Classification: Pathogenic for Neutropenia, severe congenital, 1, autosomal dominant; Cyclical neutropenia. Last evaluated: 2021-09-09. Review status: criteria provided, single submitter. Criteria: Invitae Variant Classification Sherloc (09022015). Collection method: clinical testing. Allele origin: germline.
Comment: This sequence change affects the initiator methionine of the ELANE mRNA. The next in-frame methionine is located at codon 44. This variant is not present in population databases (ExAC no frequency). Disruption of the initiator codon has been observed in individual(s) with severe congenital neutropenia (PMID: 14962902, 21618407, 23463630, 29076228). In at least one individual the variant was observed to be de novo. It has also been observed to segregate with disease in related individuals. This variant is also known as 1287A>G I1-29A>G. Algorithms developed to predict the effect of variants on protein structure and function are not available or were not evaluated for this variant. Experimental studies have shown that disruption of the initiator codon affects ELANE function (PMID: 24184683). For these reasons, this variant has been classified as Pathogenic.

Laboratory of Immunopathology and Genetics, Medical Laboratory of Pediatric Oncology and Hematology, Central Clinical Hospital of the Medical University of Lodz
Classification: Pathogenic for Neutropenia, severe congenital, 1, autosomal dominant. Last evaluated: 2024-12-01. Review status: no assertion criteria provided. Collection method: clinical testing. Allele origin: germline. Affected: yes. Observed: 1 variant allele. Not counted in ClinVar's aggregate classification.

Literature cited by the submitters: PubMed 14962902 (cited by Mayo Clinic Laboratories, Mayo Clinic and Labcorp Genetics (formerly Invitae), Labcorp); PubMed 21618407 (cited by 3 submitters); PubMed 23463630 (cited by Mayo Clinic Laboratories, Mayo Clinic and Labcorp Genetics (formerly Invitae), Labcorp); PubMed 24184683 (cited by Mayo Clinic Laboratories, Mayo Clinic and Labcorp Genetics (formerly Invitae), Labcorp); PubMed 29076228 (cited by Mayo Clinic Laboratories, Mayo Clinic and Labcorp Genetics (formerly Invitae), Labcorp).